The following is an entry in ClinVar:

ClinVar aggregate classification (germline): Conflicting classifications of pathogenicity. Review status: criteria provided, conflicting classifications (1 of 4 stars). 6 submissions from 6 submitters: Uncertain significance (2); Likely benign (3). 1 of the submissions does not count toward it. Last evaluated 2025-12-02.

Conditions:
FOLR1-related disorder. Also called: FOLR1-related condition.
Inborn genetic diseases. Identifiers: MedGen C0950123, MeSH D030342.
Cerebral folate transport deficiency. Also called: Neurodegenerative syndrome due to cerebral folate transport deficiency; Cerebral folate deficiency syndrome; NEURODEGENERATION DUE TO CEREBRAL FOLATE TRANSPORT DEFICIENCY; FOLATE RECEPTOR DEFICIENCY; FOLR1-Related Cerebral Folate Transport Deficiency. Identifiers: Orphanet 217382, MedGen C2751584, MONDO:0013110, OMIM 613068. Disease mechanism: loss of function.

Allele frequency attached by ClinVar (database versions not stated): gnomAD 0.00006 and 0.00011; TOPMed 0.00007; ESP Exome Variant Server 0.00015; gnomAD exomes 0.00018 and 0.00031; ExAC 0.00039; 1000 Genomes Project 30x 0.00047; 1000 Genomes Project 0.00060.
gnomAD v4.1: 279 of 1,614,086 alleles (0.017%); highest among the groups gnomAD compares: South Asian, 0.21%; 3 homozygotes.

Submissions (6):

Labcorp Genetics (formerly Invitae), Labcorp
Classification: Likely benign for Cerebral folate transport deficiency. Last evaluated: 2025-12-02. Review status: criteria provided, single submitter. Criteria: Invitae Variant Classification Sherloc (09022015). Collection method: clinical testing. Allele origin: germline.

Blueprint Genetics
Classification: Likely benign. Last evaluated: 2024-10-23. Review status: criteria provided, single submitter. Criteria: ACMG Guidelines, 2015. Collection method: clinical testing. Allele origin: germline.

GeneDx
Classification: Likely benign. Last evaluated: 2022-03-23. Review status: criteria provided, single submitter. Criteria: GeneDx Variant Classification Process June 2021. Collection method: clinical testing. Allele origin: germline. Affected: yes.

Ambry Genetics
Classification: Uncertain significance for Inborn genetic diseases. Last evaluated: 2017-07-21. Review status: criteria provided, single submitter. Criteria: Ambry Variant Classification Scheme 2023. Collection method: clinical testing. Allele origin: germline.
Comment: The p.Q72R variant (also known as c.215A>G), located in coding exon 2 of the FOLR1 gene, results from an A to G substitution at nucleotide position 215. The glutamine at codon 72 is replaced by arginine, an amino acid with highly similar properties. This amino acid position is poorly conserved in available vertebrate species. In addition, this alteration is predicted to be tolerated by in silico analysis. Since supporting evidence is limited at this time, the clinical significance of this alteration remains unclear.

Eurofins Ntd Llc (ga)
Classification: Uncertain significance. Last evaluated: 2014-06-23. Review status: criteria provided, single submitter. Criteria: EGL Classification Definitions 2015. Collection method: clinical testing. Allele origin: germline. Observed: 1 variant allele, 1 heterozygote.

PreventionGenetics, part of Exact Sciences
Classification: Likely benign for FOLR1-related condition. Last evaluated: 2022-06-29. Review status: no assertion criteria provided. Collection method: clinical testing. Allele origin: germline. Not counted in ClinVar's aggregate classification.
Comment: This variant is classified as likely benign based on ACMG/AMP sequence variant interpretation guidelines (Richards et al. 2015 PMID: 25741868, with internal and published modifications).

NM_016729.3(FOLR1):c.215A>G (p.Gln72Arg)

Genes: FOLR1 (folate receptor alpha; plus strand), FOLR1-AS1 (FOLR1 antisense RNA 1; minus strand). Cytogenetic location: 11q13.4.
Variant type: single nucleotide variant.
Coding change: c.215A>G on transcript NM_016729.3 (MANE Select); coding-DNA position 215, A replaced by G.
Protein change: p.Gln72Arg; replaces glutamine 72 with arginine.
Molecular consequence: missense variant.
Genome position (GRCh38, 1-based): chr11:72,195,317, A>G. VCF-style: chr11-72195317-A-G. GRCh37 (hg19) VCF-style: chr11-71906361-A-G.
Other names: p.Q72R:CAG>CGG; c.215A>G, p.Gln72Arg (NM_000802.3, NM_016724.3, NM_016725.3); c.215A>G (NM_016724.2); short protein forms Q72R.
Identifiers: ClinVar variation 196475 (VCV000196475.24), dbSNP rs148345688, ClinGen allele CA243436.